The following is an entry in ClinVar:

ClinVar aggregate classification (germline): Likely pathogenic (1 of 4 stars; one submission).

Conditions:
KIDINS220-related disorder. Also called: KIDINS220-related condition.

Submission:

PreventionGenetics, part of Exact Sciences
Classification: Likely pathogenic for KIDINS220-related condition. Last evaluated: 2025-05-23. Review status: criteria provided, single submitter. Criteria: ACMG Guidelines, 2015. Collection method: clinical testing. Allele origin: germline.
Comment: The KIDINS220 c.4267delT variant is predicted to result in a frameshift and premature protein termination (p.Ser1423Glnfs*9). To our knowledge, this variant has not been reported in the literature or in a large population database (gnomAD), indicating this variant is rare. Frameshift variants in KIDINS220 are expected to be pathogenic. This variant is located in exon 30 of 30, and therefore is expected to be pathogenic for autosomal dominant and recessive KIDINS220 associated disorders. This variant is interpreted as likely pathogenic.

NM_020738.4(KIDINS220):c.4267del (p.Ser1423fs)

Gene: KIDINS220 (kinase D interacting substrate 220; minus strand). Cytogenetic location: 2p25.1.
Variant type: Deletion.
Coding change: c.4267del on transcript NM_020738.4 (MANE Select); coding-DNA position 4267, one base deleted (T; older notation c.4267delT).
Protein change: p.Ser1423fs; shifts the reading frame from serine 1423.
Molecular consequence: frameshift variant. On other transcripts: intron variant (6).
Genome position (GRCh38, 1-based): chr2:8,731,769, A deleted on the plus strand (T on the coding strand, the reverse complement: KIDINS220 is on the minus strand). VCF-style (leftmost placement, unchanged base first): chr2-8731768-GA-G. GRCh37 (hg19) VCF-style: chr2-8871898-GA-G.
Other names: c.4270del, p.Ser1424fs (NM_001348729.2); c.4213del, p.Ser1405fs (NM_001348731.2); c.4210del, p.Ser1404fs (NM_001348732.2); c.4099del, p.Ser1367fs (NM_001348734.2); c.4096del, p.Ser1366fs (NM_001348735.2); c.3970del, p.Ser1324fs (NM_001348736.2); c.3882+1675del (NM_001348741.2, NM_001348742.2, NM_001348743.2); c.3996+1675del (NM_001348738.2); and 1 more; short protein forms S1367fs, S1423fs, S1366fs, S1404fs, S1424fs, S1324fs, S1405fs.
Identifiers: ClinVar variation 5001947 (VCV005001947.1).
Genomic context (GRCh38, chr2:8,731,768, plus strand): 5'-GGCTTTGGTTCACTATCCTTCCCCTTTTCTTGCTCTAGGTTTGAATGAATAGAGCCCCCT[GA>G]TGAACTCTGACCCATGTAATATGTGCTATGTGGAGAAGATCTGCCACTAATGGTTGTAGA-3'